The following is an entry in ClinVar:

ClinVar aggregate classification (germline): Likely benign (1 of 4 stars; one submission).

Allele frequency attached by ClinVar (database versions not stated): gnomAD 0.00001; gnomAD exomes 0.00002; TOPMed 0.00002.
gnomAD v4.1: 19 of 1,043,868 alleles (0.0018%); highest among the groups gnomAD compares: Non-Finnish European, 0.0026%; no homozygotes.

Submission:

Women's Health and Genetics/Laboratory Corporation of America, LabCorp
Classification: Likely benign. Last evaluated: 2023-09-29. Review status: criteria provided, single submitter. Criteria: LabCorp Variant Classification Summary - May 2015. Collection method: clinical testing. Allele origin: germline.
Comment: Variant summary: CUL4B c.1227+18C>G alters a non-conserved nucleotide located at a position not widely known to affect splicing. Consensus agreement among computation tools predict no significant impact on normal splicing. However, these predictions have yet to be confirmed by functional studies. The variant allele was found at a frequency of 1.1e-05 in 179924 control chromosomes (gnomAD). The available data on variant occurrences in the general population are insufficient to allow any conclusion about variant significance. To our knowledge, no occurrence of c.1227+18C>G in individuals affected with X-linked intellectual disability, Cabezas type and no experimental evidence demonstrating its impact on protein function have been reported. No submitters have cited clinical-significance assessments for this variant to ClinVar after 2014. Based on the evidence outlined above, the variant was classified as likely benign.

NM_001079872.2(CUL4B):c.1173+18C>G

Gene: CUL4B (cullin 4B; minus strand). Cytogenetic location: Xq24.
Variant type: single nucleotide variant.
Coding change: c.1173+18C>G on transcript NM_001079872.2 (MANE Select); 18 bases into the intron after coding-DNA position 1173, C replaced by G.
Molecular consequence: intron variant.
Genome position (GRCh38, 1-based): chrX:120,544,096, G>C on the plus strand (C>G on the coding strand, the complement: CUL4B is on the minus strand). VCF-style: chrX-120544096-G-C. GRCh37 (hg19) VCF-style: chrX-119677951-G-C.
Other names: c.1227+18C>G (NM_003588.4); c.1188+18C>G (NM_001330624.2); c.639+18C>G (NM_001369145.1).
Identifiers: ClinVar variation 2627360 (VCV002627360.1), dbSNP rs902116678, ClinGen allele CA334125047.